The following is an entry in ClinVar:

ClinVar aggregate classification (germline): Uncertain significance (0 of 4 stars; one submission).

Conditions:
KCNMA1-related disorder. Also called: KCNMA1-related disorders; KCNMA1-related condition.

gnomAD v4.1: 14 of 1,550,344 alleles (0.0009%); highest among the groups gnomAD compares: African/African-American, 0.018%; no homozygotes.

Submission:

PreventionGenetics, part of Exact Sciences
Classification: Uncertain significance for KCNMA1-related condition. Last evaluated: 2024-04-25. Review status: no assertion criteria provided. Collection method: clinical testing. Allele origin: germline.
Comment: The KCNMA1 c.2095A>T variant is predicted to result in premature protein termination (p.Lys699*). Utilizing another transcript (NM_002247.3) this variant is predicted to be a deep intronic variant (c.2092+10389A>T) with no impact on splicing based on available splicing prediction programs (SpliceAI, Jaganathan et al. 2019. PubMed ID: 30661751). To our knowledge, this variant has not been reported in the literature. This variant is reported in 0.012% of alleles in individuals of African descent in gnomAD. At this time, the clinical significance of this variant is uncertain due to the absence of conclusive functional and genetic evidence.

NM_001161352.2(KCNMA1):c.2095A>T (p.Lys699Ter)

Gene: KCNMA1 (potassium calcium-activated channel subfamily M alpha 1; minus strand). Cytogenetic location: 10q22.3.
Variant type: single nucleotide variant.
Coding change: c.2095A>T on transcript NM_001161352.2 (MANE Select); coding-DNA position 2095, A replaced by T.
Protein change: p.Lys699Ter; replaces lysine 699 with a stop codon.
Molecular consequence: nonsense. On other transcripts: intron variant (13).
Genome position (GRCh38, 1-based): chr10:77,001,578, T>A on the plus strand (A>T on the coding strand, the complement: KCNMA1 is on the minus strand). VCF-style: chr10-77001578-T-A. GRCh37 (hg19) VCF-style: chr10-78761336-T-A.
Other names: c.1942+10389A>T (NM_001271518.2); c.2092+10389A>T (NM_001322832.2, NM_001410940.1, NM_002247.4 and 1 more transcripts); c.2101+6607A>T (NM_001322829.2, NM_001322836.2, NM_001271519.2); c.2104+10389A>T (NM_001014797.3, NM_001322835.2, NM_001322837.2); c.2113+6607A>T (NM_001322830.2); c.1552+10389A>T (NM_001322838.2); short protein forms K699*.
Identifiers: ClinVar variation 3351883 (VCV003351883.1).
Genomic context (GRCh38, chr10:77,001,578, plus strand): 5'-GCTCAGAACGTCCGCAATCAAAACAACATGCCCGTCTCATTCTCTTGTAGATGGACATCT[T>A]GGCTATAACCGTGTGGTTGGATGGGAGGAGAGGAAGAGCGGCAATTAATGGCAAGGTCAC-3'